The following is an entry in ClinVar:

NM_024741.3(ZNF408):c.1378C>G (p.Gln460Glu)

Gene: ZNF408 (zinc finger protein 408; plus strand). Cytogenetic location: 11p11.2.
Variant type: single nucleotide variant.
Coding change: c.1378C>G on transcript NM_024741.3 (MANE Select); coding-DNA position 1378, C replaced by G.
Protein change: p.Gln460Glu; replaces glutamine 460 with glutamic acid.
Molecular consequence: missense variant.
Genome position (GRCh38, 1-based): chr11:46,705,078, C>G. VCF-style: chr11-46705078-C-G. GRCh37 (hg19) VCF-style: chr11-46726628-C-G.
Other names: c.1354C>G, p.Gln452Glu (NM_001184751.2); short protein forms Q452E, Q460E.
Identifiers: ClinVar variation 2824550 (VCV002824550.3), dbSNP rs778532834, ClinGen allele CA380255872.

ClinVar aggregate classification (germline): Uncertain significance (1 of 4 stars; one submission).

Submission:

Labcorp Genetics (formerly Invitae), Labcorp
Classification: Uncertain significance. Last evaluated: 2022-12-27. Review status: criteria provided, single submitter. Criteria: Invitae Variant Classification Sherloc (09022015). Collection method: clinical testing. Allele origin: germline.
Comment: In summary, the available evidence is currently insufficient to determine the role of this variant in disease. Therefore, it has been classified as a Variant of Uncertain Significance. Algorithms developed to predict the effect of missense changes on protein structure and function (SIFT, PolyPhen-2, Align-GVGD) all suggest that this variant is likely to be disruptive. This variant has not been reported in the literature in individuals affected with ZNF408-related conditions. This variant is not present in population databases (gnomAD no frequency). This sequence change replaces glutamine, which is neutral and polar, with glutamic acid, which is acidic and polar, at codon 460 of the ZNF408 protein (p.Gln460Glu).